The following is an entry in ClinVar:

NM_014363.6(SACS):c.12934_12935delinsAA (p.Ser4312Asn)

Gene: SACS (sacsin molecular chaperone; minus strand). Cytogenetic location: 13q12.12.
Variant type: Indel.
Coding change: c.12934_12935delinsAA on transcript NM_014363.6 (MANE Select); coding-DNA positions 12934 to 12935, TC replaced by AA.
Protein change: p.Ser4312Asn; replaces serine 4312 with asparagine.
Molecular consequence: missense variant.
Genome position (GRCh38, 1-based): chr13:23,330,941-23,330,942, GA replaced by TT on the plus strand (TC replaced by AA on the coding strand, the reverse complement: SACS is on the minus strand). VCF-style: chr13-23330941-GA-TT. GRCh37 (hg19) VCF-style: chr13-23905080-GA-TT.
Other names: c.12493_12494delinsAA, p.Ser4165Asn (NM_001278055.2); short protein forms S4165N, S4312N.
Identifiers: ClinVar variation 1954922 (VCV001954922.2), dbSNP rs2542146260, ClinGen allele CA2580086805.
Genomic context (GRCh38, chr13:23,330,941, plus strand): 5'-AACCGCCTAATAATCTTTTTTCGTTCCGATTCTGGAAGCTTCCATGCTTGCTCCACCACA[GA>TT]TGTCACTTCTTTTAAGATTTCTGGTAAAGAATTAACCTTAAGCTTTTTGGGGGACTGATG-3'
Protein context (NP_055178.3, residues 4302-4322): SLPEILKEVT[Ser4312Asn]VVEQAWKLPE

ClinVar aggregate classification (germline): Uncertain significance (1 of 4 stars; one submission).

Conditions:
Spastic paraplegia. Identifiers: MedGen C0037772, HP:0001258.

Submission:

Labcorp Genetics (formerly Invitae), Labcorp
Classification: Uncertain significance for Spastic paraplegia. Last evaluated: 2022-08-29. Review status: criteria provided, single submitter. Criteria: Invitae Variant Classification Sherloc (09022015). Collection method: clinical testing. Allele origin: germline.
Comment: This sequence change replaces serine, which is neutral and polar, with asparagine, which is neutral and polar, at codon 4312 of the SACS protein (p.Ser4312Asn). Information on the frequency of this variant in the gnomAD database is not available, as this variant may be reported differently in the database. This variant has not been reported in the literature in individuals affected with SACS-related conditions. Algorithms developed to predict the effect of missense changes on protein structure and function are either unavailable or do not agree on the potential impact of this missense change (SIFT: "Not Available"; PolyPhen-2: "Benign"; Align-GVGD: "Not Available"). In summary, the available evidence is currently insufficient to determine the role of this variant in disease. Therefore, it has been classified as a Variant of Uncertain Significance.